The following is an entry in ClinVar:

NM_001204424.2(RGS6):c.1040G>A (p.Arg347Gln)

Gene: RGS6 (regulator of G protein signaling 6; plus strand). Cytogenetic location: 14q24.2.
Variant type: single nucleotide variant.
Coding change: c.1040G>A on transcript NM_001204424.2 (MANE Select); coding-DNA position 1040, G replaced by A.
Protein change: p.Arg347Gln; replaces arginine 347 with glutamine.
Molecular consequence: missense variant. On other transcripts: non-coding transcript variant (1), intron variant (2).
Genome position (GRCh38, 1-based): chr14:72,510,228, G>A. VCF-style: chr14-72510228-G-A. GRCh37 (hg19) VCF-style: chr14-72976936-G-A.
Other names: c.1040G>A, p.Arg347Gln (NM_001204416.3, NM_001370272.1, NM_001370273.1 and 18 more transcripts); c.1031G>A, p.Arg344Gln (NM_001370279.1); c.929G>A, p.Arg310Gln (NM_001370293.1, NM_001204419.3, NM_001204420.3 and 4 more transcripts); c.966-8123G>A (NM_001370280.1); c.855-8123G>A (NM_001370294.1); c.935G>A, p.Arg312Gln (NM_001204423.2); c.830G>A, p.Arg277Gln (NM_001370286.1); short protein forms R312Q, R347Q, R277Q, R310Q, R344Q.
Identifiers: ClinVar variation 2458578 (VCV002458578.6), dbSNP rs144184633, ClinGen allele CA7254037.
Genomic context (GRCh38, chr14:72,510,228, plus strand): 5'-AACAGCGAGTAAAAAGATGGGGCTTCTCTTTCGATGAGATATTGAAGGACCAGGTGGGGC[G>A]GGACCAGTTTCTACGATTCCTGGAGTCCGAATTCAGTTCAGAAAACCTCAGGTAAATCTC-3'
Protein context (NP_001191353.1, residues 337-357): FDEILKDQVG[Arg347Gln]DQFLRFLESE

ClinVar aggregate classification (germline): Uncertain significance. Review status: criteria provided, multiple submitters, no conflicts (2 of 4 stars). 2 submissions from 2 submitters: Uncertain significance (2). Last evaluated 2025-07-23.

Allele frequency attached by ClinVar (database versions not stated): 1000 Genomes Project 30x 0.00016; ExAC 0.00026; TOPMed 0.00046; gnomAD exomes 0.00064; 1000 Genomes Project 0.00020; ESP Exome Variant Server 0.00038; gnomAD 0.00051.
gnomAD v4.1: 1,051 of 1,614,182 alleles (0.065%); highest among the groups gnomAD compares: Non-Finnish European, 0.08%; no homozygotes.

Submissions (2):

Labcorp Genetics (formerly Invitae), Labcorp
Classification: Uncertain significance. Last evaluated: 2025-07-23. Review status: criteria provided, single submitter. Criteria: Invitae Variant Classification Sherloc (09022015). Collection method: clinical testing. Allele origin: germline.
Comment: This sequence change replaces arginine, which is basic and polar, with glutamine, which is neutral and polar, at codon 347 of the RGS6 protein (p.Arg347Gln). This variant is present in population databases (rs144184633, gnomAD 0.05%), and has an allele count higher than expected for a pathogenic variant. This variant has not been reported in the literature in individuals affected with RGS6-related conditions. ClinVar contains an entry for this variant (Variation ID: 2458578). An algorithm developed to predict the effect of missense changes on protein structure and function outputs the following: PolyPhen-2: "Benign". The glutamine amino acid residue is found in multiple mammalian species, which suggests that this missense change does not adversely affect protein function. In summary, the available evidence is currently insufficient to determine the role of this variant in disease. Therefore, it has been classified as a Variant of Uncertain Significance.

Ambry Genetics
Classification: Uncertain significance. Last evaluated: 2025-01-16. Review status: criteria provided, single submitter. Criteria: Ambry Variant Classification Scheme 2023. Collection method: clinical testing. Allele origin: germline.